The following is an entry in ClinVar:

ClinVar aggregate classification (germline): Uncertain significance (1 of 4 stars; one submission).

Submission:

Dasa
Classification: Uncertain significance. Last evaluated: 2025-07-03. Review status: criteria provided, single submitter. Criteria: DASA Assertion Criteria. Collection method: clinical testing. Allele origin: germline.
Comment: NM_001378414.1(HDAC4):c.1234C>T (p.Pro412Ser) is a missense variant that results in the substitution of proline with serine. This variant is absent from population databases. Computational prediction algorithms are consistent with a benign effect. The currently available literature and clinical evidence are not sufficient to establish a definitive association between this variant and the reported condition. Therefore, this variant is classified as a variant of uncertain significance.

NM_001378414.1(HDAC4):c.1234C>T (p.Pro412Ser)

Gene: HDAC4 (histone deacetylase 4; minus strand). Cytogenetic location: 2q37.3.
Variant type: single nucleotide variant.
Coding change: c.1234C>T on transcript NM_001378414.1 (MANE Select); coding-DNA position 1234, C replaced by T.
Protein change: p.Pro412Ser; replaces proline 412 with serine.
Molecular consequence: missense variant.
Genome position (GRCh38, 1-based): chr2:239,134,305, G>A on the plus strand (C>T on the coding strand, the complement: HDAC4 is on the minus strand). VCF-style: chr2-239134305-G-A. GRCh37 (hg19) VCF-style: chr2-240056001-G-A.
Other names: c.1234C>T, p.Pro412Ser (NM_001378415.1, NM_001378416.1, NM_001378417.1 and 1 more transcripts); c.1153C>T, p.Pro385Ser (NM_001435991.1, NM_001435992.1, NM_001435994.1 and 1 more transcripts); c.1090C>T, p.Pro364Ser (NM_001435993.1); c.1219C>T, p.Pro407Ser (NM_001435996.1); short protein forms P364S, P385S, P407S, P412S.
Identifiers: ClinVar variation 4885362 (VCV004885362.2).
Genomic context (GRCh38, chr2:239,134,305, plus strand): 5'-CTGTGACGAGGGGTGCTTGTGCCGGCGGCTGCTCCAGTAAGACCATGTGCTGCAGAAGAG[G>A]GCTGTGCGCTGCCCCTCCGTCCCGCTCCAAGGGCGAGGTGCTCAGGTAGGGAGTGAGGTG-3'
Protein context (NP_001365343.1, residues 402-422): LERDGGAAHS[Pro412Ser]LLQHMVLLEQ